The following is an entry in ClinVar:

NM_024876.4(COQ8B):c.873G>A (p.Ala291=)

Gene: COQ8B (coenzyme Q8B; minus strand). Cytogenetic location: 19q13.2.
Variant type: single nucleotide variant.
Coding change: c.873G>A on transcript NM_024876.4 (MANE Select); coding-DNA position 873, G replaced by A.
Protein change: p.Ala291=; no amino-acid change (alanine 291 retained).
Molecular consequence: synonymous variant.
Genome position (GRCh38, 1-based): chr19:40,702,620, C>T on the plus strand (G>A on the coding strand, the complement: COQ8B is on the minus strand). VCF-style: chr19-40702620-C-T. GRCh37 (hg19) VCF-style: chr19-41208525-C-T.
Other names: c.750G>A, p.Ala250= (NM_001142555.3).
Identifiers: ClinVar variation 677292 (VCV000677292.7), dbSNP rs760835229, ClinGen allele CA9450236.

ClinVar aggregate classification (germline): Likely benign. Review status: criteria provided, multiple submitters, no conflicts (2 of 4 stars). 3 submissions from 3 submitters: Likely benign (2). 1 of the submissions does not count toward it. Last evaluated 2022-07-30.

Conditions:
COQ8B-related disorder. Also called: COQ8B-related condition.

Allele frequency attached by ClinVar (database versions not stated): ExAC 0.00003; gnomAD exomes 0.00003; TOPMed 0.00004; gnomAD 0.00005.

Submissions (3):

Labcorp Genetics (formerly Invitae), Labcorp
Classification: Likely benign. Last evaluated: 2022-07-30. Review status: criteria provided, single submitter. Criteria: Invitae Variant Classification Sherloc (09022015). Collection method: clinical testing. Allele origin: germline.

GeneDx
Classification: Likely benign. Last evaluated: 2018-03-19. Review status: criteria provided, single submitter. Criteria: GeneDx Variant Classification (06012015). Collection method: clinical testing. Allele origin: germline. Affected: yes.
Comment: This variant is considered likely benign or benign based on one or more of the following criteria: it is a conservative change, it occurs at a poorly conserved position in the protein, it is predicted to be benign by multiple in silico algorithms, and/or has population frequency not consistent with disease.

PreventionGenetics, part of Exact Sciences
Classification: Likely benign for COQ8B-related condition. Last evaluated: 2022-07-06. Review status: no assertion criteria provided. Collection method: clinical testing. Allele origin: germline. Not counted in ClinVar's aggregate classification.
Comment: This variant is classified as likely benign based on ACMG/AMP sequence variant interpretation guidelines (Richards et al. 2015 PMID: 25741868, with internal and published modifications).